The following is an entry in ClinVar:

ClinVar aggregate classification (germline): Likely benign (1 of 4 stars; one submission).

Conditions:
Congenital bile acid synthesis defect 2 (CBAS2). Also called: CHOLESTASIS WITH DELTA(4)-3-OXOSTEROID 5-BETA-REDUCTASE DEFICIENCY. Identifiers: Orphanet 79303, MedGen C1856127, MONDO:0009339, OMIM 235555.

Allele frequency attached by ClinVar (database versions not stated): 1000 Genomes Project 30x 0.00640; 1000 Genomes Project 0.00759; TOPMed 0.00899.
gnomAD v4.1: 2,384 of 206,636 alleles (1.2%); highest among the groups gnomAD compares: South Asian, 1.9%; 33 homozygotes.

Submission:

Illumina Laboratory Services, Illumina
Classification: Likely benign for Congenital bile acid synthesis defect 2. Last evaluated: 2018-01-12. Review status: criteria provided, single submitter. Criteria: ICSL Variant Classification Criteria 13 December 2019. Collection method: clinical testing. Allele origin: germline.
Comment: This variant was observed in the ICSL laboratory as part of a predisposition screen in an ostensibly healthy population. It had not been previously curated by ICSL or reported in the Human Gene Mutation Database (HGMD: prior to June 1st, 2018), and was therefore a candidate for classification through an automated scoring system. Utilizing variant allele frequency, disease prevalence and penetrance estimates, and inheritance mode, an automated score was calculated to assess if this variant is too frequent to cause the disease. Based on the score and internal cut-off values, a variant classified as likely benign is not then subjected to further curation. The score for this variant resulted in a classification of likely benign for this disease.

NM_005989.4(AKR1D1):c.*372C>T

Gene: AKR1D1 (aldo-keto reductase family 1 member D1; plus strand). Cytogenetic location: 7q33.
Variant type: single nucleotide variant.
Coding change: c.*372C>T on transcript NM_005989.4 (MANE Select); 372 bases downstream of the stop codon, C replaced by T.
Molecular consequence: 3 prime UTR variant.
Genome position (GRCh38, 1-based): chr7:138,117,034, C>T. VCF-style: chr7-138117034-C-T. GRCh37 (hg19) VCF-style: chr7-137801780-C-T.
Other names: c.*372C>T (NM_001190906.2); c.*397C>T (NM_001190907.2).
Identifiers: ClinVar variation 911239 (VCV000911239.4), dbSNP rs142266499, ClinGen allele CA167100838.